The following is an entry in ClinVar:

ClinVar aggregate classification (germline): Uncertain significance. Review status: criteria provided, multiple submitters, no conflicts (2 of 4 stars). 2 submissions from 2 submitters: Uncertain significance (2). Last evaluated 2026-04-06.

Conditions:
NAXE-related disorder. Also called: NAXE-related condition.

Allele frequency attached by ClinVar (database versions not stated): TOPMed below 0.00001; gnomAD 0.00001; ExAC 0.00002; gnomAD exomes 0.00002 and 0.00006.
gnomAD v4.1: 87 of 1,613,838 alleles (0.0054%); highest among the groups gnomAD compares: Middle Eastern, 0.049%; no homozygotes.

Submissions (2):

PreventionGenetics, part of Exact Sciences
Classification: Uncertain significance for NAXE-related condition. Last evaluated: 2026-04-06. Review status: criteria provided, single submitter. Criteria: ACMG Guidelines, 2015. Collection method: clinical testing. Allele origin: germline.
Comment: The NAXE c.845A>T variant is predicted to result in the amino acid substitution p.Glu282Val. To our knowledge, this variant has not been reported in the literature. This variant is reported in 0.0035% of alleles in individuals of European (Non-Finnish) descent in gnomAD. At this time, the clinical significance of this variant is uncertain due to the absence of conclusive functional and genetic evidence.

Labcorp Genetics (formerly Invitae), Labcorp
Classification: Uncertain significance. Last evaluated: 2022-02-09. Review status: criteria provided, single submitter. Criteria: Invitae Variant Classification Sherloc (09022015). Collection method: clinical testing. Allele origin: germline.
Comment: This sequence change replaces glutamic acid, which is acidic and polar, with valine, which is neutral and non-polar, at codon 282 of the NAXE protein (p.Glu282Val). This variant is present in population databases (rs777982900, gnomAD 0.004%). This variant has not been reported in the literature in individuals affected with NAXE-related conditions. Algorithms developed to predict the effect of missense changes on protein structure and function (SIFT, PolyPhen-2, Align-GVGD) all suggest that this variant is likely to be disruptive. Algorithms developed to predict the effect of sequence changes on RNA splicing suggest that this variant may create or strengthen a splice site. In summary, the available evidence is currently insufficient to determine the role of this variant in disease. Therefore, it has been classified as a Variant of Uncertain Significance.

NM_144772.3(NAXE):c.845A>T (p.Glu282Val)

Gene: NAXE (NAD(P)HX epimerase; plus strand). Cytogenetic location: 1q22.
Variant type: single nucleotide variant.
Coding change: c.845A>T on transcript NM_144772.3 (MANE Select); coding-DNA position 845, A replaced by T.
Protein change: p.Glu282Val; replaces glutamic acid 282 with valine.
Molecular consequence: missense variant.
Genome position (GRCh38, 1-based): chr1:156,594,062, A>T. VCF-style: chr1-156594062-A-T. GRCh37 (hg19) VCF-style: chr1-156563854-A-T.
Other names: c.845A>T (NM_144772.2); short protein forms E282V.
Identifiers: ClinVar variation 1368073 (VCV001368073.5), dbSNP rs777982900, ClinGen allele CA1162936.